The following is an entry in ClinVar:

ClinVar aggregate classification (germline): Uncertain significance. Review status: criteria provided, multiple submitters, no conflicts (2 of 4 stars). 2 submissions from 2 submitters: Uncertain significance (2). Last evaluated 2026-03-27.

Conditions:
Familial thoracic aortic aneurysm and aortic dissection (TAAD). Also called: Thoracic aortic aneurysms and dissections. Identifiers: Orphanet 91387, MedGen C4707243, MONDO:0019625.
Cardiovascular phenotype. Identifiers: MedGen CN230736.

Submissions (2):

Molecular Diagnostic Laboratory for Inherited Cardiovascular Disease, Montreal Heart Institute
Classification: Uncertain significance for Cardiovascular phenotype. Last evaluated: 2026-03-27. Review status: criteria provided, single submitter. Criteria: ACMG Guidelines, 2015. Collection method: clinical testing. Allele origin: germline. Affected: yes.
Comment: PM2, PP3

Labcorp Genetics (formerly Invitae), Labcorp
Classification: Uncertain significance for Familial thoracic aortic aneurysm and aortic dissection. Last evaluated: 2025-03-05. Review status: criteria provided, single submitter. Criteria: Invitae Variant Classification Sherloc (09022015). Collection method: clinical testing. Allele origin: germline.
Comment: This sequence change replaces serine, which is neutral and polar, with threonine, which is neutral and polar, at codon 391 of the SMAD3 protein (p.Ser391Thr). This variant is not present in population databases (gnomAD no frequency). This variant has not been reported in the literature in individuals affected with SMAD3-related conditions. Invitae Evidence Modeling of protein sequence and biophysical properties (such as structural, functional, and spatial information, amino acid conservation, physicochemical variation, residue mobility, and thermodynamic stability) indicates that this missense variant is expected to disrupt SMAD3 protein function with a positive predictive value of 80%. In summary, the available evidence is currently insufficient to determine the role of this variant in disease. Therefore, it has been classified as a Variant of Uncertain Significance.

NM_005902.4(SMAD3):c.1172G>C (p.Ser391Thr)

Gene: SMAD3 (SMAD family member 3; plus strand). Cytogenetic location: 15q22.33.
Variant type: single nucleotide variant.
Coding change: c.1172G>C on transcript NM_005902.4 (MANE Select); coding-DNA position 1172, G replaced by C.
Protein change: p.Ser391Thr; replaces serine 391 with threonine.
Molecular consequence: missense variant.
Genome position (GRCh38, 1-based): chr15:67,190,430, G>C. VCF-style: chr15-67190430-G-C. GRCh37 (hg19) VCF-style: chr15-67482768-G-C.
Other names: c.1172G>C (NM_005902.3); c.857G>C, p.Ser286Thr (NM_001145102.2, NM_001407016.1); c.1040G>C, p.Ser347Thr (NM_001145103.2, NM_001407012.1); c.587G>C, p.Ser196Thr (NM_001145104.2, NM_001407017.1); c.1283G>C, p.Ser428Thr (NM_001407011.1); c.1034G>C, p.Ser345Thr (NM_001407013.1); c.1025G>C, p.Ser342Thr (NM_001407014.1); c.725G>C, p.Ser242Thr (NM_001407015.1); short protein forms S196T, S286T, S345T, S347T, S428T, S242T, S342T, S391T.
Identifiers: ClinVar variation 3639716 (VCV003639716.3).
Genomic context (GRCh38, chr15:67,190,430, plus strand): 5'-TTTTTTAAGTCCCCCACCCCACCCCTTTCCCTATTTCTTACAGGAGACAGACTGTGACCA[G>C]TACCCCCTGCTGGATTGAGCTGCACCTGAATGGGCCTTTGCAGTGGCTTGACAAGGTCCT-3'
Protein context (NP_005893.1, residues 381-401): GAEYRRQTVT[Ser391Thr]TPCWIELHLN